The following is an entry in ClinVar:

NM_001173464.2(KIF21A):c.1335G>T (p.Thr445=)

Gene: KIF21A (kinesin family member 21A; minus strand). Cytogenetic location: 12q12.
Variant type: single nucleotide variant.
Coding change: c.1335G>T on transcript NM_001173464.2 (MANE Select); coding-DNA position 1335, G replaced by T.
Protein change: p.Thr445=; no amino-acid change (threonine 445 retained).
Molecular consequence: synonymous variant.
Genome position (GRCh38, 1-based): chr12:39,357,318, C>A on the plus strand (G>T on the coding strand, the complement: KIF21A is on the minus strand). VCF-style: chr12-39357318-C-A. GRCh37 (hg19) VCF-style: chr12-39751120-C-A.
Other names: c.1335G>T, p.Thr445= (NM_001173463.2, NM_001173465.2, NM_017641.4).
Identifiers: ClinVar variation 308582 (VCV000308582.10), dbSNP rs61740919, ClinGen allele CA6511062.

ClinVar aggregate classification (germline): Benign. Review status: criteria provided, multiple submitters, no conflicts (2 of 4 stars). 3 submissions from 3 submitters: Benign (3). Last evaluated 2019-12-31.

Conditions:
Congenital fibrosis of extraocular muscles type 1. Also called: CFEOM3B; BLEPHAROPTOSIS WITH ABSENT EYE MOVEMENTS; OPHTHALMOPLEGIA, CONGENITAL; FEOM1 LOCUS. Identifiers: MedGen C1851102, MONDO:0021083, OMIM 135700.

Allele frequency attached by ClinVar (database versions not stated): gnomAD 0.01621 and 0.01740; TOPMed 0.01696; 1000 Genomes Project 0.01877; 1000 Genomes Project 30x 0.02233; ESP Exome Variant Server 0.01984.
gnomAD v4.1: 5,053 of 1,613,996 alleles (0.31%); highest among the groups gnomAD compares: African/African-American, 5.8%; 134 homozygotes.

Submissions (3):

Labcorp Genetics (formerly Invitae), Labcorp
Classification: Benign. Last evaluated: 2019-12-31. Review status: criteria provided, single submitter. Criteria: Invitae Variant Classification Sherloc (09022015). Collection method: clinical testing. Allele origin: germline.

Illumina Laboratory Services, Illumina
Classification: Benign for Congenital fibrosis of extraocular muscles type 1. Last evaluated: 2018-01-13. Review status: criteria provided, single submitter. Criteria: ICSL Variant Classification Criteria 13 December 2019. Collection method: clinical testing. Allele origin: germline.
Comment: This variant was observed in the ICSL laboratory as part of a predisposition screen in an ostensibly healthy population. It had not been previously curated by ICSL or reported in the Human Gene Mutation Database (HGMD: prior to June 1st, 2018), and was therefore a candidate for classification through an automated scoring system. Utilizing variant allele frequency, disease prevalence and penetrance estimates, and inheritance mode, an automated score was calculated to assess if this variant is too frequent to cause the disease. Based on the score and internal cut-off values, a variant classified as benign is not then subjected to further curation. The score for this variant resulted in a classification of benign for this disease.

Breakthrough Genomics
Classification: Benign. Review status: criteria provided, single submitter. Criteria: ACMG Guidelines, 2015. Collection method: not provided. Allele origin: germline. Inheritance: Autosomal dominant inheritance. Affected: yes.